The following is an entry in ClinVar:

NM_001282684.2(KCTD17):c.785G>A (p.Gly262Asp)

Gene: KCTD17 (potassium channel tetramerization domain containing 17; plus strand). Cytogenetic location: 22q12.3.
Variant type: single nucleotide variant.
Coding change: c.785G>A on transcript NM_001282684.2 (MANE Select); coding-DNA position 785, G replaced by A.
Protein change: p.Gly262Asp; replaces glycine 262 with aspartic acid.
Molecular consequence: missense variant. On other transcripts: intron variant (1).
Genome position (GRCh38, 1-based): chr22:37,061,539, G>A. VCF-style: chr22-37061539-G-A. GRCh37 (hg19) VCF-style: chr22-37457579-G-A.
Other names: c.613G>A, p.Val205Ile (NM_001282685.2); c.713G>A, p.Gly238Asp (NM_024681.4); c.613-986G>A (NM_001282686.2); short protein forms G269D, G238D, G262D, V205I.
Identifiers: ClinVar variation 846140 (VCV000846140.7), dbSNP rs756711502, ClinGen allele CA10215154.
Genomic context (GRCh38, chr22:37,061,539, plus strand): 5'-CTGCAGGCCCTGCCCCCCCTCCTCTCCTCCCGGCCTCCTCCTCACGTTTCCTCCTTGCAG[G>A]TTCCCGTCCGCACCCTCTCAGACCTGAGGCTGAGCTTGCAGTGAGGGCTTCTCCTCGGCC-3'
Protein context (NP_001269613.2, residues 252-272): PLPPPPLPAG[Gly262Asp]SRPHPLRPEA

ClinVar aggregate classification (germline): Uncertain significance (1 of 4 stars; one submission).

Conditions:
Myoclonic dystonia 26. Identifiers: MedGen C4225341, MONDO:0014620, OMIM 616398.

Allele frequency attached by ClinVar (database versions not stated): ExAC 0.00001; gnomAD exomes 0.00001; gnomAD 0.00002 and 0.00003; TOPMed 0.00002.
gnomAD v4.1: 13 of 1,601,032 alleles (0.00081%); highest among the groups gnomAD compares: African/African-American, 0.0013%; no homozygotes.

Submission:

Labcorp Genetics (formerly Invitae), Labcorp
Classification: Uncertain significance for Myoclonic dystonia 26. Last evaluated: 2021-08-13. Review status: criteria provided, single submitter. Criteria: Invitae Variant Classification Sherloc (09022015). Collection method: clinical testing. Allele origin: germline.
Comment: This sequence change replaces glycine with aspartic acid at codon 269 of the KCTD17 protein (p.Gly269Asp). The glycine residue is weakly conserved and there is a moderate physicochemical difference between glycine and aspartic acid. This variant is present in population databases (rs756711502, ExAC 0.002%). This missense change has been observed in individual(s) with clinical features of KCTD17-related conditions (Invitae). Algorithms developed to predict the effect of missense changes on protein structure and function are either unavailable or do not agree on the potential impact of this missense change (SIFT: "Tolerated"; PolyPhen-2: "Probably Damaging"; Align-GVGD: "Class C0"). In summary, the available evidence is currently insufficient to determine the role of this variant in disease. Therefore, it has been classified as a Variant of Uncertain Significance.